The following is an entry in ClinVar:

ClinVar aggregate classification (germline): Likely benign (0 of 4 stars; one submission).

Conditions:
NCOR2-related disorder. Also called: NCOR2-related condition.

Allele frequency attached by ClinVar (database versions not stated): ExAC 0.00004; gnomAD 0.00005; TOPMed 0.00005; ESP Exome Variant Server 0.00008; gnomAD exomes 0.00008.
gnomAD v4.1: 121 of 1,613,852 alleles (0.0075%); highest among the groups gnomAD compares: Non-Finnish European, 0.0093%; no homozygotes.

Submission:

PreventionGenetics, part of Exact Sciences
Classification: Likely benign for NCOR2-related condition. Last evaluated: 2019-08-29. Review status: no assertion criteria provided. Collection method: clinical testing. Allele origin: germline.
Comment: This variant is classified as likely benign based on ACMG/AMP sequence variant interpretation guidelines (Richards et al. 2015 PMID: 25741868, with internal and published modifications).

NM_006312.6(NCOR2):c.1986C>T (p.Leu662=)

Gene: NCOR2 (nuclear receptor corepressor 2; minus strand). Cytogenetic location: 12q24.31.
Variant type: single nucleotide variant.
Coding change: c.1986C>T on transcript NM_006312.6 (MANE Select); coding-DNA position 1986, C replaced by T.
Protein change: p.Leu662=; no amino-acid change (leucine 662 retained).
Molecular consequence: synonymous variant.
Genome position (GRCh38, 1-based): chr12:124,385,778, G>A on the plus strand (C>T on the coding strand, the complement: NCOR2 is on the minus strand). VCF-style: chr12-124385778-G-A. GRCh37 (hg19) VCF-style: chr12-124870324-G-A.
Other names: c.1983C>T, p.Leu661= (NM_001077261.4, NM_001206654.2).
Identifiers: ClinVar variation 3052384 (VCV003052384.2), dbSNP rs369119404, ClinGen allele CA6869276.